The following is an entry in ClinVar:

ClinVar aggregate classification (germline): Uncertain significance (1 of 4 stars; one submission).

Conditions:
Ullrich congenital muscular dystrophy 2 (UCMD2). Identifiers: Orphanet 75840, MedGen C4225314, MONDO:0014654, OMIM 616470.
Bethlem myopathy 2 (BTHLM2). Identifiers: Orphanet 536516, Orphanet 610, MedGen C4225313, MONDO:0034022, OMIM 616471.

Allele frequency attached by ClinVar (database versions not stated): gnomAD exomes below 0.00001.

Submission:

Labcorp Genetics (formerly Invitae), Labcorp
Classification: Uncertain significance for Bethlem myopathy 2; Ullrich congenital muscular dystrophy 2. Last evaluated: 2019-11-12. Review status: criteria provided, single submitter. Criteria: Invitae Variant Classification Sherloc (09022015). Collection method: clinical testing. Allele origin: germline.
Comment: In summary, the available evidence is currently insufficient to determine the role of this variant in disease. Therefore, it has been classified as a Variant of Uncertain Significance. Algorithms developed to predict the effect of missense changes on protein structure and function are either unavailable or do not agree on the potential impact of this missense change (SIFT: "Tolerated"; PolyPhen-2: "Possibly Damaging"; Align-GVGD: "Class C0"). This variant has not been reported in the literature in individuals with COL12A1-related conditions. This variant is not present in population databases (ExAC no frequency). This sequence change replaces glutamine with histidine at codon 131 of the COL12A1 protein (p.Gln131His). The glutamine residue is moderately conserved and there is a small physicochemical difference between glutamine and histidine.

NM_004370.6(COL12A1):c.393A>C (p.Gln131His)

Gene: COL12A1 (collagen type XII alpha 1 chain; minus strand). Cytogenetic location: 6q13.
Variant type: single nucleotide variant.
Coding change: c.393A>C on transcript NM_004370.6 (MANE Select); coding-DNA position 393, A replaced by C.
Protein change: p.Gln131His; replaces glutamine 131 with histidine.
Molecular consequence: missense variant. On other transcripts: intron variant (1).
Genome position (GRCh38, 1-based): chr6:75,191,702, T>G on the plus strand (A>C on the coding strand, the complement: COL12A1 is on the minus strand). VCF-style: chr6-75191702-T-G. GRCh37 (hg19) VCF-style: chr6-75901418-T-G.
Other names: c.73+11018A>C (NM_080645.3); short protein forms Q131H.
Identifiers: ClinVar variation 960818 (VCV000960818.10), dbSNP rs1769937627, ClinGen allele CA364729843.
Genomic context (GRCh38, chr6:75,191,702, plus strand): 5'-TCTATCCTACATTTATGACTTCCATGAATCTAAGCAAAAATAGTAAGAGAAACACTCACT[T>G]TGTATCTCGGTTTTTCCAGGTTTCTTCTCCACTGGCTTTGTCGAACTACCTGTTTGAACT-3'
Protein context (NP_004361.3, residues 121-141): VEKKPGKTEI[Gln131His]KCSVSAWTDL